The following is an entry in ClinVar:

NM_001377299.1(NDUFS2):c.857A>G (p.Tyr286Cys)

Gene: NDUFS2 (NADH:ubiquinone oxidoreductase core subunit S2; plus strand). Cytogenetic location: 1q23.3.
Variant type: single nucleotide variant.
Coding change: c.857A>G on transcript NM_001377299.1 (MANE Select); coding-DNA position 857, A replaced by G.
Protein change: p.Tyr286Cys; replaces tyrosine 286 with cysteine.
Molecular consequence: missense variant. On other transcripts: non-coding transcript variant (1).
Genome position (GRCh38, 1-based): chr1:161,210,380, A>G. VCF-style: chr1-161210380-A-G. GRCh37 (hg19) VCF-style: chr1-161180170-A-G.
Other names: c.857A>G, p.Tyr286Cys (NM_001166159.2, NM_001377298.1, NM_001377300.1 and 3 more transcripts); short protein forms Y286C.
Identifiers: ClinVar variation 1506134 (VCV001506134.8), dbSNP rs757458919, ClinGen allele CA1208712.

ClinVar aggregate classification (germline): Uncertain significance (1 of 4 stars; one submission).

Allele frequency attached by ClinVar (database versions not stated): gnomAD exomes below 0.00001 and 0.00001; ExAC 0.00002.
gnomAD v4.1: 4 of 1,613,522 alleles (0.00025%); highest among the groups gnomAD compares: Non-Finnish European, 0.00034%; no homozygotes.

Submission:

Labcorp Genetics (formerly Invitae), Labcorp
Classification: Uncertain significance. Last evaluated: 2021-12-02. Review status: criteria provided, single submitter. Criteria: Invitae Variant Classification Sherloc (09022015). Collection method: clinical testing. Allele origin: germline.
Comment: In summary, the available evidence is currently insufficient to determine the role of this variant in disease. Therefore, it has been classified as a Variant of Uncertain Significance. Algorithms developed to predict the effect of missense changes on protein structure and function are either unavailable or do not agree on the potential impact of this missense change (SIFT: "Deleterious"; PolyPhen-2: "Probably Damaging"; Align-GVGD: "Class C0"). This variant has not been reported in the literature in individuals affected with NDUFS2-related conditions. This variant is present in population databases (rs757458919, gnomAD 0.002%). This sequence change replaces tyrosine, which is neutral and polar, with cysteine, which is neutral and slightly polar, at codon 286 of the NDUFS2 protein (p.Tyr286Cys).